The following is an entry in ClinVar:

ClinVar aggregate classification (germline): Likely benign (1 of 4 stars; one submission).

Conditions:
Marfan syndrome (MFS). Also called: MARFAN SYNDROME, TYPE I; Marfan syndrome type 1; Marfan's syndrome; Marfan syndrome, classic; FBN1-Related Marfan Syndrome. Identifiers: Orphanet 284963, Orphanet 558, MedGen C0024796, MONDO:0007947, OMIM 154700.

Submission:

All of Us Research Program, National Institutes of Health
Classification: Likely benign for Marfan syndrome. Last evaluated: 2023-09-17. Review status: criteria provided, single submitter. Criteria: ACMG Guidelines, 2015. Collection method: clinical testing. Allele origin: germline. Inheritance: Autosomal dominant inheritance. Observed: 1 variant allele, 1 heterozygote.
Comment: This study involves interpretation of variants in research participants for the purpose of population health screening. Participant phenotype was not available at the time of variant classification. Additional details can be found in publication PMID: 35346344, PMCID: PMC8962531

NM_000138.5(FBN1):c.210A>G (p.Gly70=)

Gene: FBN1 (fibrillin 1; minus strand). Cytogenetic location: 15q21.1.
Variant type: single nucleotide variant.
Coding change: c.210A>G on transcript NM_000138.5 (MANE Select); coding-DNA position 210, A replaced by G.
Protein change: p.Gly70=; no amino-acid change (glycine 70 retained).
Molecular consequence: synonymous variant.
Genome position (GRCh38, 1-based): chr15:48,613,047, T>C on the plus strand (A>G on the coding strand, the complement: FBN1 is on the minus strand). VCF-style: chr15-48613047-T-C. GRCh37 (hg19) VCF-style: chr15-48905244-T-C.
Other names: c.210A>G, p.Gly70= (NM_001406716.1, NM_001406717.1).
Identifiers: ClinVar variation 3073393 (VCV003073393.1), dbSNP rs2505779175, ClinGen allele CA490090283.